The following is an entry in ClinVar:

ClinVar aggregate classification (germline): Benign. Review status: criteria provided, multiple submitters, no conflicts (2 of 4 stars). 3 submissions from 3 submitters: Benign (3). Last evaluated 2026-07-01.

Allele frequency attached by ClinVar (database versions not stated): gnomAD 0.00061; TOPMed 0.00065; ExAC 0.00082; gnomAD exomes 0.00082; 1000 Genomes Project 30x 0.00141; 1000 Genomes Project 0.00160.

Submissions (3):

CeGaT Center for Human Genetics Tuebingen
Classification: Benign. Last evaluated: 2026-07-01. Review status: criteria provided, single submitter. Criteria: CeGaT Center For Human Genetics Tuebingen Variant Classification Criteria Version 2. Collection method: clinical testing. Allele origin: germline. Affected: yes. Observed: 1 variant allele.
Comment: TBX2: PP3, BS1, BS2

Labcorp Genetics (formerly Invitae), Labcorp
Classification: Benign. Last evaluated: 2018-12-20. Review status: criteria provided, single submitter. Criteria: Invitae Variant Classification Sherloc (09022015). Collection method: clinical testing. Allele origin: germline.

Breakthrough Genomics
Classification: Benign. Review status: criteria provided, single submitter. Criteria: ACMG Guidelines, 2015. Collection method: not provided. Allele origin: germline. Inheritance: Autosomal dominant inheritance. Affected: yes.

NM_005994.4(TBX2):c.1847G>A (p.Arg616Gln)

Gene: TBX2 (T-box transcription factor 2; plus strand). Cytogenetic location: 17q23.2.
Variant type: single nucleotide variant.
Coding change: c.1847G>A on transcript NM_005994.4 (MANE Select); coding-DNA position 1847, G replaced by A.
Protein change: p.Arg616Gln; replaces arginine 616 with glutamine.
Molecular consequence: missense variant.
Genome position (GRCh38, 1-based): chr17:61,408,214, G>A. VCF-style: chr17-61408214-G-A. GRCh37 (hg19) VCF-style: chr17-59485575-G-A.
Other names: short protein forms R616Q.
Identifiers: ClinVar variation 740812 (VCV000740812.5), dbSNP rs191930922, ClinGen allele CA8689467.
Genomic context (GRCh38, chr17:61,408,214, plus strand): 5'-CAGCTGCCGCCGCCGCAGCCGCCGGCTCCCTCTCCCGGAGCCCCTTCCTGGGCAGTGCCC[G>A]GCCCCGACTGCGTTTCAGCCCCTATCAGATCCCGGTCACCATCCCGCCTAGCACTAGCCT-3'
Protein context (NP_005985.3, residues 606-626): LSRSPFLGSA[Arg616Gln]PRLRFSPYQI